The following is an entry in ClinVar:

NM_002470.4(MYH3):c.5212C>G (p.Leu1738Val)

Gene: MYH3 (myosin heavy chain 3; minus strand). Cytogenetic location: 17p13.1.
Variant type: single nucleotide variant.
Coding change: c.5212C>G on transcript NM_002470.4 (MANE Select); coding-DNA position 5212, C replaced by G.
Protein change: p.Leu1738Val; replaces leucine 1738 with valine.
Molecular consequence: missense variant.
Genome position (GRCh38, 1-based): chr17:10,631,685, G>C on the plus strand (C>G on the coding strand, the complement: MYH3 is on the minus strand). VCF-style: chr17-10631685-G-C. GRCh37 (hg19) VCF-style: chr17-10535002-G-C.
Other names: short protein forms L1738V.
Identifiers: ClinVar variation 2818939 (VCV002818939.3), dbSNP rs1272556646, ClinGen allele CA398134431.

ClinVar aggregate classification (germline): Uncertain significance (1 of 4 stars; one submission).

Allele frequency attached by ClinVar (database versions not stated): TOPMed 0.00001.

Submission:

Labcorp Genetics (formerly Invitae), Labcorp
Classification: Uncertain significance. Last evaluated: 2024-01-22. Review status: criteria provided, single submitter. Criteria: Invitae Variant Classification Sherloc (09022015). Collection method: clinical testing. Allele origin: germline.
Comment: This sequence change replaces leucine, which is neutral and non-polar, with valine, which is neutral and non-polar, at codon 1738 of the MYH3 protein (p.Leu1738Val). This variant is not present in population databases (gnomAD no frequency). This variant has not been reported in the literature in individuals affected with MYH3-related conditions. Advanced modeling of protein sequence and biophysical properties (such as structural, functional, and spatial information, amino acid conservation, physicochemical variation, residue mobility, and thermodynamic stability) performed at Invitae indicates that this missense variant is not expected to disrupt MYH3 protein function with a negative predictive value of 95%. In summary, the available evidence is currently insufficient to determine the role of this variant in disease. Therefore, it has been classified as a Variant of Uncertain Significance.